The following is an entry in ClinVar:

ClinVar aggregate classification (germline): Uncertain significance (1 of 4 stars; one submission).

Conditions:
Inborn genetic diseases. Identifiers: MedGen C0950123, MeSH D030342.

gnomAD v4.1: 6 of 1,614,152 alleles (0.00037%); highest among the groups gnomAD compares: African/African-American, 0.0053%; no homozygotes.

Submission:

Ambry Genetics
Classification: Uncertain significance for Inborn genetic diseases. Last evaluated: 2025-06-12. Review status: criteria provided, single submitter. Criteria: Ambry Variant Classification Scheme 2023. Collection method: clinical testing. Allele origin: germline.
Comment: The p.R1253K variant (also known as c.3758G>A), located in coding exon 37 of the FANCA gene, results from a G to A substitution at nucleotide position 3758. The arginine at codon 1253 is replaced by lysine, an amino acid with highly similar properties. This amino acid position is conserved. In addition, this alteration is predicted to be tolerated by in silico analysis. Based on the available evidence, the clinical significance of this variant remains unclear.

NM_000135.4(FANCA):c.3758G>A (p.Arg1253Lys)

Gene: FANCA (FA complementation group A; minus strand). Cytogenetic location: 16q24.3.
Variant type: single nucleotide variant.
Coding change: c.3758G>A on transcript NM_000135.4 (MANE Select); coding-DNA position 3758, G replaced by A.
Protein change: p.Arg1253Lys; replaces arginine 1253 with lysine.
Molecular consequence: missense variant.
Genome position (GRCh38, 1-based): chr16:89,742,807, C>T on the plus strand (G>A on the coding strand, the complement: FANCA is on the minus strand). VCF-style: chr16-89742807-C-T. GRCh37 (hg19) VCF-style: chr16-89809215-C-T.
Other names: c.3758G>A, p.Arg1253Lys (NM_001286167.3); short protein forms R1253K.
Identifiers: ClinVar variation 4022372 (VCV004022372.1).